The following is an entry in ClinVar:

NM_014252.4(SLC25A15):c.*1494A>G

Gene: SLC25A15 (solute carrier family 25 member 15; plus strand). Cytogenetic location: 13q14.11.
Variant type: single nucleotide variant.
Coding change: c.*1494A>G on transcript NM_014252.4 (MANE Select); 1494 bases downstream of the stop codon, A replaced by G.
Molecular consequence: 3 prime UTR variant.
Genome position (GRCh38, 1-based): chr13:40,811,161, A>G. VCF-style: chr13-40811161-A-G. GRCh37 (hg19) VCF-style: chr13-41385297-A-G.
Identifiers: ClinVar variation 312201 (VCV000312201.5), dbSNP rs113342797, ClinGen allele CA10634399.
Genomic context (GRCh38, chr13:40,811,161, plus strand): 5'-CAGTGTTGGAGGCTTCTACATTTGGTACTTGCAGTCAGTAAGTCTTAATGATGACTGTAT[A>G]TGTGATATGAGTTTATAAAGCAATGGAACATAAGAAAAGCAATTGTAGGCCAGGCGCAGT-3'

ClinVar aggregate classification (germline): Benign (1 of 4 stars; one submission).

Conditions:
Hyperornithinemia-hyperammonemia-homocitrullinuria syndrome (HHHS). Also called: HHH SYNDROME; Ornithine translocase deficiency. Identifiers: Orphanet 415, MedGen C0268540, MONDO:0009393, OMIM 238970.

Allele frequency attached by ClinVar (database versions not stated): 1000 Genomes Project 0.00998; gnomAD 0.01017 and 0.01105; 1000 Genomes Project 30x 0.01062; TOPMed 0.01115.
gnomAD v4.1: 1,541 of 152,332 alleles (1%); highest among the groups gnomAD compares: African/African-American, 3.4%; 35 homozygotes.

Submission:

Illumina Laboratory Services, Illumina
Classification: Benign for Hyperornithinemia-hyperammonemia-homocitrullinuria syndrome. Last evaluated: 2018-01-12. Review status: criteria provided, single submitter. Criteria: ICSL Variant Classification Criteria 13 December 2019. Collection method: clinical testing. Allele origin: germline.
Comment: This variant was observed in the ICSL laboratory as part of a predisposition screen in an ostensibly healthy population. It had not been previously curated by ICSL or reported in the Human Gene Mutation Database (HGMD: prior to June 1st, 2018), and was therefore a candidate for classification through an automated scoring system. Utilizing variant allele frequency, disease prevalence and penetrance estimates, and inheritance mode, an automated score was calculated to assess if this variant is too frequent to cause the disease. Based on the score and internal cut-off values, a variant classified as benign is not then subjected to further curation. The score for this variant resulted in a classification of benign for this disease.